The following is an entry in ClinVar:

NM_001286.5(CLCN6):c.1981-9C>T

Gene: CLCN6 (Cl-/H+ antiporter 6; plus strand). Cytogenetic location: 1p36.22.
Variant type: single nucleotide variant.
Coding change: c.1981-9C>T on transcript NM_001286.5 (MANE Select); 9 bases into the intron before coding-DNA position 1981, C replaced by T.
Molecular consequence: intron variant.
Genome position (GRCh38, 1-based): chr1:11,836,990, C>T. VCF-style: chr1-11836990-C-T. GRCh37 (hg19) VCF-style: chr1-11897047-C-T.
Other names: c.1981-9C>T (NM_001286.3); c.1915-9C>T (NM_001256959.2).
Identifiers: ClinVar variation 4767851 (VCV004767851.2).

ClinVar aggregate classification (germline): Likely benign. Review status: criteria provided, multiple submitters, no conflicts (2 of 4 stars). 2 submissions from 2 submitters: Likely benign (2). Last evaluated 2025-08-25.

Conditions:
CLCN6-related disorder. Also called: CLCN6-related condition.

gnomAD v4.1: 8 of 1,607,196 alleles (0.0005%); highest among the groups gnomAD compares: Non-Finnish European, 0.00068%; no homozygotes.

Submissions (2):

Labcorp Genetics (formerly Invitae), Labcorp
Classification: Likely benign. Last evaluated: 2025-08-25. Review status: criteria provided, single submitter. Criteria: Invitae Variant Classification Sherloc (09022015). Collection method: clinical testing. Allele origin: germline.

PreventionGenetics, part of Exact Sciences
Classification: Likely benign for CLCN6-related condition. Last evaluated: 2025-01-10. Review status: criteria provided, single submitter. Criteria: ACMG Guidelines, 2015. Collection method: clinical testing. Allele origin: germline.
Comment: This variant is classified as likely benign based on ACMG/AMP sequence variant interpretation guidelines (Richards et al. 2015 PMID: 25741868, with internal and published modifications).